The following is an entry in ClinVar:

ClinVar aggregate classification (germline): Likely pathogenic (1 of 4 stars; one submission).

Conditions:
Autoinflammatory syndrome, familial, Behcet-like 1 (AIFBL1). Also called: Haploinsufficiency of A20. Identifiers: Orphanet 674762, MedGen C4225218, MONDO:0800045, OMIM 616744.

Submission:

Institute of Human Genetics, University of Goettingen
Classification: Likely pathogenic for Autoinflammatory syndrome, familial, Behcet-like 1. Review status: criteria provided, single submitter. Criteria: ACMG Guidelines, 2015. Collection method: clinical testing. Allele origin: unknown. Affected: yes.
Comment: TNFAIP3 encodes the protein A20, a ubiquitin-editing enzyme that plays a critical role in the negative regulation of inflammation and immunity. It functions by attenuating the activity of nuclear factor kappa-light-chain-enhancer of activated B cells (NF-κB), a transcription factor that is activated in response to various inflammatory stimuli. A20 achieves this through its dual ubiquitin-editing activities, involving deubiquitination and ubiquitination of key signaling molecules, thus controlling the extent and duration of NF-κB activation in response to inflammatory signals. Additionally, A20 is involved in the regulation of apoptosis and cell proliferation, contributing to the maintenance of immune system homeostasis and prevention of autoimmune responses. Criteria: PVS1 pathogenic very strong, PM2 moderate. Suggested classification: likely pathogenic.

NM_001270508.2(TNFAIP3):c.1774_1795dup (p.Gly599fs)

Gene: TNFAIP3 (TNF alpha induced protein 3; plus strand). Cytogenetic location: 6q23.3.
Variant type: Duplication.
Coding change: c.1774_1795dup on transcript NM_001270508.2 (MANE Select); coding-DNA positions 1774 to 1795, 22 bases duplicated (TCTCAAGCTGCACGGACTCCTG).
Protein change: p.Gly599fs; shifts the reading frame from glycine 599.
Molecular consequence: frameshift variant.
Genome position (GRCh38, 1-based): chr6:137,879,219-137,879,240, TCTCAAGCTGCACGGACTCCTG duplicated; duplicating any 22 consecutive bases within chr6:137,879,215-137,879,240 gives the same sequence; the c. name uses the placement nearest the transcript's 3' end. VCF-style (leftmost placement, unchanged base first): chr6-137879214-G-GCCTGTCTCAAGCTGCACGGACT. GRCh37 (hg19) VCF-style: chr6-138200351-G-GCCTGTCTCAAGCTGCACGGACT.
Other names: c.1774_1795dup, p.Gly599fs (NM_001270507.2, NM_006290.4); short protein forms G599fs.
Identifiers: ClinVar variation 3906989 (VCV003906989.1).